The following is an entry in ClinVar:

ClinVar aggregate classification (germline): Uncertain significance (1 of 4 stars; one submission).

Conditions:
Sulfite oxidase deficiency due to molybdenum cofactor deficiency type C. Also called: Molybdenum cofactor deficiency C; Molybdenum cofactor deficiency, complementation group C. Identifiers: Orphanet 308400, Orphanet 833, MedGen C1854990, MONDO:0014212, OMIM 615501.

Submission:

Labcorp Genetics (formerly Invitae), Labcorp
Classification: Uncertain significance for Sulfite oxidase deficiency due to molybdenum cofactor deficiency type C. Last evaluated: 2020-08-26. Review status: criteria provided, single submitter. Criteria: Invitae Variant Classification Sherloc (09022015). Collection method: clinical testing. Allele origin: germline.
Comment: This sequence change replaces proline with threonine at codon 109 of the GPHN protein (p.Pro109Thr). The proline residue is moderately conserved and there is a small physicochemical difference between proline and threonine. This variant is not present in population databases (ExAC no frequency). This variant has not been reported in the literature in individuals with GPHN-related conditions. Algorithms developed to predict the effect of missense changes on protein structure and function are either unavailable or do not agree on the potential impact of this missense change (SIFT: "Deleterious"; PolyPhen-2: "Possibly Damaging"; Align-GVGD: "Class C0"). In summary, the available evidence is currently insufficient to determine the role of this variant in disease. Therefore, it has been classified as a Variant of Uncertain Significance.

NM_020806.5(GPHN):c.325C>A (p.Pro109Thr)

Gene: GPHN (gephyrin; plus strand). Cytogenetic location: 14q23.3.
Variant type: single nucleotide variant.
Coding change: c.325C>A on transcript NM_020806.5 (MANE Select); coding-DNA position 325, C replaced by A.
Protein change: p.Pro109Thr; replaces proline 109 with threonine.
Molecular consequence: missense variant.
Genome position (GRCh38, 1-based): chr14:66,879,969, C>A. VCF-style: chr14-66879969-C-A. GRCh37 (hg19) VCF-style: chr14-67346687-C-A.
Other names: c.325C>A, p.Pro109Thr (NM_001024218.2, NM_001377515.1, NM_001377516.1 and 2 more transcripts); c.364C>A, p.Pro122Thr (NM_001377514.1, NM_001377519.1); short protein forms P109T, P122T.
Identifiers: ClinVar variation 851393 (VCV000851393.10), dbSNP rs2063851742, ClinGen allele CA390256884.
Genomic context (GRCh38, chr14:66,879,969, plus strand): 5'-CTCAGTCTGCTATTTAATCTTTAATTACAGGCCACAAAAGAAGTAATAGAACGGGAAGCA[C>A]CAGGGATGGCCCTGGCAATGCTGATGGGATCACTTAATGTTACACCTCTGGGCATGCTCT-3'
Protein context (NP_065857.1, residues 99-119): ATKEVIEREA[Pro109Thr]GMALAMLMGS